The following is an entry in ClinVar:

ClinVar aggregate classification (germline): Uncertain significance (1 of 4 stars; one submission).

Conditions:
Developmental and epileptic encephalopathy, 9 (DEE9). Also called: Early infantile epileptic encephalopathy 9; EPILEPSY, FEMALE-RESTRICTED, WITH MENTAL RETARDATION; JUBERG-HELLMAN SYNDROME; PCDH19-Related X-Linked Female-Limited Epilepsy with Mental Retardation. Identifiers: Orphanet 101039, Orphanet 2076, MedGen C1848137, MONDO:0010246, OMIM 300088. Disease mechanism: loss of function.

Allele frequency attached by ClinVar (database versions not stated): gnomAD exomes below 0.00001.
gnomAD v4.1: 1 of 1,208,064 alleles (0.000083%); highest among the groups gnomAD compares: African/African-American, 0.0017%; no homozygotes.

Submission:

Labcorp Genetics (formerly Invitae), Labcorp
Classification: Uncertain significance for Developmental and epileptic encephalopathy, 9. Last evaluated: 2023-09-22. Review status: criteria provided, single submitter. Criteria: Invitae Variant Classification Sherloc (09022015). Collection method: clinical testing. Allele origin: germline.
Comment: In summary, the available evidence is currently insufficient to determine the role of this variant in disease. Therefore, it has been classified as a Variant of Uncertain Significance. Advanced modeling of protein sequence and biophysical properties (such as structural, functional, and spatial information, amino acid conservation, physicochemical variation, residue mobility, and thermodynamic stability) performed at Invitae indicates that this missense variant is not expected to disrupt PCDH19 protein function. This variant has not been reported in the literature in individuals affected with PCDH19-related conditions. This variant is not present in population databases (gnomAD no frequency). This sequence change replaces histidine, which is basic and polar, with glutamine, which is neutral and polar, at codon 203 of the PCDH19 protein (p.His203Gln).

NM_001184880.2(PCDH19):c.609C>G (p.His203Gln)

Gene: PCDH19 (protocadherin 19; minus strand). Cytogenetic location: Xq22.1.
Variant type: single nucleotide variant.
Coding change: c.609C>G on transcript NM_001184880.2 (MANE Select); coding-DNA position 609, C replaced by G.
Protein change: p.His203Gln; replaces histidine 203 with glutamine.
Molecular consequence: missense variant.
Genome position (GRCh38, 1-based): chrX:100,407,989, G>C on the plus strand (C>G on the coding strand, the complement: PCDH19 is on the minus strand). VCF-style: chrX-100407989-G-C. GRCh37 (hg19) VCF-style: chrX-99662987-G-C.
Other names: c.609C>G, p.His203Gln (NM_001105243.2, NM_020766.3); short protein forms H203Q.
Identifiers: ClinVar variation 3001850 (VCV003001850.3), dbSNP rs2147541249, ClinGen allele CA414009050.